The following is an entry in ClinVar:

ClinVar aggregate classification (germline): Conflicting classifications of pathogenicity. Review status: criteria provided, conflicting classifications (1 of 4 stars). 3 submissions from 3 submitters: Uncertain significance (1); Likely benign (1). 1 of the submissions does not count toward it. Last evaluated 2024-09-20.

Conditions:
Zellweger spectrum disorders (ZS). Also called: Zellweger Spectrum Disorder (ZSD); Zellweger syndrome; Zellweger Spectrum Disorder; Zellweger Spectrum. Identifiers: Orphanet 912, MedGen C0043459, MONDO:0019609.
Peroxisome biogenesis disorder 1A (Zellweger) (PBD1A). Also called: Zellweger leukodystrophy; Peroxisome biogenesis disorder 1a. Identifiers: MedGen C4721541, MONDO:0008953, OMIM 214100.
Peroxisome biogenesis disorder 1B (PBD1B). Also called: PEROXISOME BIOGENESIS DISORDER (NALD/IRD); ADRENOLEUKODYSTROPHY, AUTOSOMAL NEONATAL; Refsum disease, infantile form; Infantile Refsum disease; Infantile form of phytanic acid storage disease; PEROXISOME BIOGENESIS DISORDER (NEONATAL ADRENOLEUKODYSTROPHY/INFANTILE REFSUM DISEASE). Identifiers: Orphanet 44, MedGen C0282527, MONDO:0011101, OMIM 601539.
Heimler syndrome 1 (HMLR1). Also called: PEROXISOME BIOGENESIS DISORDER 1C. Identifiers: Orphanet 3220, MedGen C4551980, OMIM 234580, MONDO:0024544.

Allele frequency attached by ClinVar (database versions not stated): gnomAD 0.00001; gnomAD exomes 0.00001 and 0.00002; TOPMed 0.00001; ExAC 0.00002.
gnomAD v4.1: 15 of 1,557,096 alleles (0.00096%); highest among the groups gnomAD compares: Middle Eastern, 0.05%; no homozygotes.

Submissions (3):

3billion
Classification: Likely benign for Heimler syndrome 1; Peroxisome biogenesis disorder 1A (Zellweger); Peroxisome biogenesis disorder 1B. Last evaluated: 2024-09-20. Review status: criteria provided, single submitter. Criteria: ACMG Guidelines, 2015. Collection method: clinical testing. Allele origin: germline. Affected: no.
Comment: The homozygous variant was found in patients diagnosed with another variant in a different gene, with no symptoms related to the gene containing the homozygous variant.

Labcorp Genetics (formerly Invitae), Labcorp
Classification: Uncertain significance for Zellweger spectrum disorders. Last evaluated: 2022-02-10. Review status: criteria provided, single submitter. Criteria: Invitae Variant Classification Sherloc (09022015). Collection method: clinical testing. Allele origin: germline.
Comment: This sequence change falls in intron 20 of the PEX1 gene. It does not directly change the encoded amino acid sequence of the PEX1 protein. It affects a nucleotide within the consensus splice site. This variant is present in population databases (rs763767937, gnomAD 0.003%). This variant has not been reported in the literature in individuals affected with PEX1-related conditions. ClinVar contains an entry for this variant (Variation ID: 963473). Variants that disrupt the consensus splice site are a relatively common cause of aberrant splicing (PMID: 17576681, 9536098). Algorithms developed to predict the effect of sequence changes on RNA splicing suggest that this variant is not likely to affect RNA splicing. In summary, the available evidence is currently insufficient to determine the role of this variant in disease. Therefore, it has been classified as a Variant of Uncertain Significance.

Natera, Inc.
Classification: Uncertain significance for Zellweger syndrome. Last evaluated: 2018-09-03. Review status: no assertion criteria provided. Collection method: clinical testing. Allele origin: germline. Not counted in ClinVar's aggregate classification.

Literature cited by the submitters: PubMed 17576681 (cited by Labcorp Genetics (formerly Invitae), Labcorp); PubMed 9536098 (cited by Labcorp Genetics (formerly Invitae), Labcorp).

NM_000466.3(PEX1):c.3208-3T>C

Genes: GATAD1 (GATA zinc finger domain containing 1; plus strand), PEX1 (peroxisomal biogenesis factor 1; minus strand). Cytogenetic location: 7q21.2.
Variant type: single nucleotide variant.
Coding change: c.3208-3T>C on transcript NM_000466.3 (MANE Select); 3 bases into the intron before coding-DNA position 3208, T replaced by C.
Molecular consequence: intron variant.
Genome position (GRCh38, 1-based): chr7:92,491,505, A>G on the plus strand (T>C on the coding strand, the complement: PEX1 is on the minus strand). VCF-style: chr7-92491505-A-G. GRCh37 (hg19) VCF-style: chr7-92120819-A-G.
Other names: c.3037-3T>C (NM_001282677.2); c.2584-3T>C (NM_001282678.2).
Identifiers: ClinVar variation 963473 (VCV000963473.9), dbSNP rs763767937, ClinGen allele CA4340872.